The following is an entry in ClinVar:

NM_138694.4(PKHD1):c.8753del (p.Gly2918fs)

Gene: PKHD1 (PKHD1 ciliary IPT domain containing fibrocystin/polyductin; minus strand). Cytogenetic location: 6p12.3.
Variant type: Deletion.
Coding change: c.8753del on transcript NM_138694.4 (MANE Select); coding-DNA position 8753, one base deleted (G; older notation c.8753delG).
Protein change: p.Gly2918fs; shifts the reading frame from glycine 2918.
Molecular consequence: frameshift variant.
Genome position (GRCh38, 1-based): chr6:51,754,828, C deleted on the plus strand (G on the coding strand, the reverse complement: PKHD1 is on the minus strand); the first of 3 consecutive C bases (chr6:51,754,828-51,754,830); deleting any one gives the same sequence. VCF-style (leftmost placement, unchanged base first): chr6-51754827-GC-G. GRCh37 (hg19) VCF-style: chr6-51619625-GC-G.
Other names: c.8753del, p.Gly2918fs (NM_170724.3); short protein forms G2918fs.
Identifiers: ClinVar variation 4728514 (VCV004728514.1).

ClinVar aggregate classification (germline): Pathogenic (1 of 4 stars; one submission).

Conditions:
Autosomal recessive polycystic kidney disease (ARPKD). Also called: AR polycystic kidney disease. Identifiers: Orphanet 731, Orphanet 8378, MedGen C0085548, MeSH D017044, MONDO:0009889.

Submission:

Labcorp Genetics (formerly Invitae), Labcorp
Classification: Pathogenic for Autosomal recessive polycystic kidney disease. Last evaluated: 2025-10-26. Review status: criteria provided, single submitter. Criteria: Invitae Variant Classification Sherloc (09022015). Collection method: clinical testing. Allele origin: germline.
Comment: This sequence change creates a premature translational stop signal (p.Gly2918Alafs*4) in the PKHD1 gene. It is expected to result in an absent or disrupted protein product. Loss-of-function variants in PKHD1 are known to be pathogenic (PMID: 19940839). This variant is not present in population databases (gnomAD no frequency). This variant has not been reported in the literature in individuals affected with PKHD1-related conditions. For these reasons, this variant has been classified as Pathogenic.

Literature cited by the submitters: PubMed 19940839.